The following is an entry in ClinVar:

ClinVar aggregate classification (germline): Pathogenic. Review status: criteria provided, single submitter (1 of 4 stars). 2 submissions from 2 submitters: Pathogenic (1). 1 of the submissions does not count toward it. Last evaluated 2023-07-21.

Conditions:
Dilated cardiomyopathy 1Z (CMD1Z). Identifiers: Orphanet 154, MedGen C2678475, MONDO:0012745, OMIM 611879.
Hypertrophic cardiomyopathy 13. Also called: TNNC1-Related Familial Hypertrophic Cardiomyopathy. Identifiers: MedGen C2750472, MONDO:0013195, OMIM 613243.

Submissions (2):

Labcorp Genetics (formerly Invitae), Labcorp
Classification: Pathogenic for Hypertrophic cardiomyopathy 13; Dilated cardiomyopathy 1Z. Last evaluated: 2023-07-21. Review status: criteria provided, single submitter. Criteria: Invitae Variant Classification Sherloc (09022015). Collection method: clinical testing. Allele origin: germline.
Comment: For these reasons, this variant has been classified as Pathogenic. Experimental studies have shown that this missense change affects TNNC1 function (PMID: 22815480). An algorithm developed to predict the effect of missense changes on protein structure and function (PolyPhen-2) suggests that this variant is likely to be disruptive. ClinVar contains an entry for this variant (Variation ID: 39832). This missense change has been observed in individual(s) with hypertrophic cardiomyopathy, mixed-type cardiomyopathy, and/or restrictive cardiomyopathy (PMID: 22815480, 30384889; Invitae). In at least one individual the variant was observed to be de novo. This variant is not present in population databases (gnomAD no frequency). This sequence change replaces alanine, which is neutral and non-polar, with serine, which is neutral and polar, at codon 31 of the TNNC1 protein (p.Ala31Ser).

OMIM
Classification: Pathogenic for CARDIOMYOPATHY, FAMILIAL HYPERTROPHIC, 13. Last evaluated: 2012-09-14. Review status: no assertion criteria provided. Collection method: literature only. Allele origin: germline. Not counted in ClinVar's aggregate classification.

Literature cited by the submitters: PubMed 22815480 (cited by Labcorp Genetics (formerly Invitae), Labcorp and OMIM); PubMed 30384889 (cited by Labcorp Genetics (formerly Invitae), Labcorp).

NM_003280.3(TNNC1):c.91G>T (p.Ala31Ser)

Gene: TNNC1 (troponin C1, slow skeletal and cardiac type; minus strand). Cytogenetic location: 3p21.1.
Variant type: single nucleotide variant.
Coding change: c.91G>T on transcript NM_003280.3 (MANE Select); coding-DNA position 91, G replaced by T.
Protein change: p.Ala31Ser; replaces alanine 31 with serine.
Molecular consequence: missense variant.
Genome position (GRCh38, 1-based): chr3:52,452,217, C>A on the plus strand (G>T on the coding strand, the complement: TNNC1 is on the minus strand). VCF-style: chr3-52452217-C-A. GRCh37 (hg19) VCF-style: chr3-52486233-C-A.
Other names: short protein forms A31S.
Identifiers: ClinVar variation 39832 (VCV000039832.7), dbSNP rs397514616, ClinGen allele CA130608.